The following is an entry in ClinVar:

ClinVar aggregate classification (germline): Uncertain significance (1 of 4 stars; one submission).

Conditions:
Aortic aneurysm, familial thoracic 6 (AAT6). Also called: FAMILIAL THORACIC AORTIC ANEURYSM WITH LIVEDO RETICULARIS AND IRIS FLOCCULI. Identifiers: MedGen C2673186, MONDO:0012730, OMIM 611788.

Submission:

Labcorp Genetics (formerly Invitae), Labcorp
Classification: Uncertain significance for Aortic aneurysm, familial thoracic 6. Last evaluated: 2019-07-01. Review status: criteria provided, single submitter. Criteria: Invitae Variant Classification Sherloc (09022015). Collection method: clinical testing. Allele origin: germline.
Comment: This sequence change replaces serine with tyrosine at codon 35 of the ACTA2 protein (p.Ser35Tyr). The serine residue is highly conserved and there is a large physicochemical difference between serine and tyrosine. This variant is not present in population databases (ExAC no frequency). This variant has not been reported in the literature in individuals with ACTA2-related conditions. Algorithms developed to predict the effect of missense changes on protein structure and function (SIFT, PolyPhen-2, Align-GVGD) all suggest that this variant is likely to be disruptive, but these predictions have not been confirmed by published functional studies and their clinical significance is uncertain. In summary, the available evidence is currently insufficient to determine the role of this variant in disease. Therefore, it has been classified as a Variant of Uncertain Significance.

NM_001613.4(ACTA2):c.104C>A (p.Ser35Tyr)

Gene: ACTA2 (actin alpha 2, smooth muscle; minus strand). Cytogenetic location: 10q23.31.
Variant type: single nucleotide variant.
Coding change: c.104C>A on transcript NM_001613.4 (MANE Select); coding-DNA position 104, C replaced by A.
Protein change: p.Ser35Tyr; replaces serine 35 with tyrosine.
Molecular consequence: missense variant.
Genome position (GRCh38, 1-based): chr10:88,948,827, G>T on the plus strand (C>A on the coding strand, the complement: ACTA2 is on the minus strand). VCF-style: chr10-88948827-G-T. GRCh37 (hg19) VCF-style: chr10-90708584-G-T.
Other names: c.104C>A, p.Ser35Tyr (NM_001141945.3, NM_001320855.2, NM_001406462.1 and 7 more transcripts); short protein forms S35Y.
Identifiers: ClinVar variation 951989 (VCV000951989.11), dbSNP rs1845999816, ClinGen allele CA377513630.